The following is an entry in ClinVar:

ClinVar aggregate classification (germline): Benign/Likely benign. Review status: criteria provided, multiple submitters, no conflicts (2 of 4 stars). 3 submissions from 3 submitters: Benign (1); Likely benign (2). Last evaluated 2024-07-24.

Conditions:
Hereditary cancer-predisposing syndrome. Also called: Neoplastic Syndromes, Hereditary; Hereditary Cancer Syndrome; Tumor predisposition; Hereditary neoplastic syndrome. Identifiers: Orphanet 140162, MedGen C0027672, MeSH D009386, MONDO:0015356.
Familial cancer of breast. Also called: BREAST CANCER, FAMILIAL; hereditary breast carcinoma; Hereditary breast cancer. Identifiers: Orphanet 227535, MedGen C0346153, MONDO:0016419, OMIM 114480. Disease mechanism: loss of function.

Allele frequency attached by ClinVar (database versions not stated): gnomAD exomes below 0.00001.
gnomAD v4.1: 1 of 1,614,128 alleles (0.000062%); highest among the groups gnomAD compares: South Asian, 0.0011%; no homozygotes.

Submissions (3):

Myriad Genetics, Inc.
Classification: Benign for Familial cancer of breast. Last evaluated: 2024-07-24. Review status: criteria provided, single submitter. Criteria: Myriad Autosomal Dominant, Autosomal Recessive and X-Linked Classification Criteria (2023). Collection method: clinical testing. Allele origin: unknown.
Comment: This variant is considered benign. This variant is a silent/synonymous amino acid change and it is not expected to impact splicing.

Ambry Genetics
Classification: Likely benign for Hereditary cancer-predisposing syndrome. Last evaluated: 2023-02-04. Review status: criteria provided, single submitter. Criteria: Ambry Variant Classification Scheme 2023. Collection method: clinical testing. Allele origin: germline.

Labcorp Genetics (formerly Invitae), Labcorp
Classification: Likely benign for Familial cancer of breast. Last evaluated: 2021-06-26. Review status: criteria provided, single submitter. Criteria: Invitae Variant Classification Sherloc (09022015). Collection method: clinical testing. Allele origin: germline.

NM_000465.4(BARD1):c.1050A>G (p.Gln350=)

Gene: BARD1 (BRCA1 associated RING domain 1; minus strand). Cytogenetic location: 2q35.
Variant type: single nucleotide variant.
Coding change: c.1050A>G on transcript NM_000465.4 (MANE Select); coding-DNA position 1050, A replaced by G.
Protein change: p.Gln350=; no amino-acid change (glutamine 350 retained).
Molecular consequence: synonymous variant. On other transcripts: non-coding transcript variant (2), intron variant (3).
Genome position (GRCh38, 1-based): chr2:214,780,824, T>C on the plus strand (A>G on the coding strand, the complement: BARD1 is on the minus strand). VCF-style: chr2-214780824-T-C. GRCh37 (hg19) VCF-style: chr2-215645548-T-C.
Other names: c.993A>G, p.Gln331= (NM_001282543.2); c.159-28269A>G (NM_001282548.2); c.215+16237A>G (NM_001282545.2); c.364+11473A>G (NM_001282549.2); c.1050A>G (NM_000465.2).
Identifiers: ClinVar variation 1549403 (VCV001549403.11), dbSNP rs1060501277, ClinGen allele CA431390568.